The following is an entry in ClinVar:

NM_007118.4(TRIO):c.1119C>G (p.Ser373Arg)

Gene: TRIO (trio Rho guanine nucleotide exchange factor; plus strand). Cytogenetic location: 5p15.2.
Variant type: single nucleotide variant.
Coding change: c.1119C>G on transcript NM_007118.4 (MANE Select); coding-DNA position 1119, C replaced by G.
Protein change: p.Ser373Arg; replaces serine 373 with arginine.
Molecular consequence: missense variant. On other transcripts: non-coding transcript variant (1).
Genome position (GRCh38, 1-based): chr5:14,293,077, C>G. VCF-style: chr5-14293077-C-G. GRCh37 (hg19) VCF-style: chr5-14293186-C-G.
Other names: short protein forms S373R.
Identifiers: ClinVar variation 4852663 (VCV004852663.2).

ClinVar aggregate classification (germline): Uncertain significance (1 of 4 stars; one submission).

Submission:

Dasa
Classification: Uncertain significance. Last evaluated: 2024-05-22. Review status: criteria provided, single submitter. Criteria: DASA Assertion Criteria. Collection method: clinical testing. Allele origin: germline.
Comment: NM_007118.4(TRIO):c.1119C>G (p.Ser373Arg) is a missense variant that results in the substitution of serine with arginine. This variant is rare in population databases. Computational prediction algorithms are consistent with a benign effect. The currently available literature and clinical evidence are not sufficient to establish a definitive association between this variant and the reported condition. Therefore, this variant is classified as a variant of uncertain significance.